The following is an entry in ClinVar:

NM_000274.4(OAT):c.775C>G (p.Leu259Val)

Gene: OAT (ornithine aminotransferase; minus strand). Cytogenetic location: 10q26.13.
Variant type: single nucleotide variant.
Coding change: c.775C>G on transcript NM_000274.4 (MANE Select); coding-DNA position 775, C replaced by G.
Protein change: p.Leu259Val; replaces leucine 259 with valine.
Molecular consequence: missense variant.
Genome position (GRCh38, 1-based): chr10:124,403,052, G>C on the plus strand (C>G on the coding strand, the complement: OAT is on the minus strand). VCF-style: chr10-124403052-G-C. GRCh37 (hg19) VCF-style: chr10-126091621-G-C.
Other names: c.361C>G, p.Leu121Val (NM_001171814.2); c.775C>G, p.Leu259Val (NM_001322965.2, NM_001322966.2, NM_001322967.2 and 3 more transcripts); c.454C>G, p.Leu152Val (NM_001322971.2); c.175C>G, p.Leu59Val (NM_001322974.2); short protein forms L121V, L152V, L259V, L59V.
Identifiers: ClinVar variation 1022132 (VCV001022132.8), dbSNP rs1252853867, ClinGen allele CA378635672.
Genomic context (GRCh38, chr10:124,403,052, plus strand): 5'-CAACAGCCAGCCATCTACCAGTTCTGGCCAATCCTGTCTGTATTTCATCAGCAATAAAGA[G>C]AACCTATTGGGGAAAAAAAATACCCCTATTAGTGATCACTTTCGTTTCCACAGGGAAAAT-3'
Protein context (NP_000265.1, residues 249-269): VRELCTRHQV[Leu259Val]FIADEIQTGL

ClinVar aggregate classification (germline): Uncertain significance (1 of 4 stars; one submission).

Conditions:
Ornithine aminotransferase deficiency (GACR). Also called: Ornithine ketoacid aminotransferase deficiency; Gyrate atrophy; Gyrate atrophy of choroid and retina; Girate atrophy of the retina; HYPERORNITHINEMIA WITH GYRATE ATROPHY OF CHOROID AND RETINA; OAT DEFICIENCY. Identifiers: Orphanet 414, MedGen C0018425, MONDO:0009796, OMIM 258870.

Submission:

Labcorp Genetics (formerly Invitae), Labcorp
Classification: Uncertain significance for Ornithine aminotransferase deficiency. Last evaluated: 2020-03-11. Review status: criteria provided, single submitter. Criteria: Invitae Variant Classification Sherloc (09022015). Collection method: clinical testing. Allele origin: germline.
Comment: This variant is not present in population databases (ExAC no frequency). This sequence change replaces leucine with valine at codon 259 of the OAT protein (p.Leu259Val). The leucine residue is highly conserved and there is a small physicochemical difference between leucine and valine. This variant has not been reported in the literature in individuals with OAT-related conditions. In summary, the available evidence is currently insufficient to determine the role of this variant in disease. Therefore, it has been classified as a Variant of Uncertain Significance. Algorithms developed to predict the effect of missense changes on protein structure and function are either unavailable or do not agree on the potential impact of this missense change (SIFT: "Deleterious"; PolyPhen-2: "Probably Damaging"; Align-GVGD: "Class C0").